The following is an entry in ClinVar:

ClinVar aggregate classification (germline): Likely benign (0 of 4 stars; one submission).

Conditions:
NEK1-related disorder. Also called: NEK1-related condition.

Allele frequency attached by ClinVar (database versions not stated): ExAC 0.00001; TOPMed 0.00001.
gnomAD v4.1: 4 of 1,389,574 alleles (0.00029%); highest among the groups gnomAD compares: Admixed American, 0.0046%; no homozygotes.

Submission:

PreventionGenetics, part of Exact Sciences
Classification: Likely benign for NEK1-related condition. Last evaluated: 2022-05-18. Review status: no assertion criteria provided. Collection method: clinical testing. Allele origin: germline.
Comment: This variant is classified as likely benign based on ACMG/AMP sequence variant interpretation guidelines (Richards et al. 2015 PMID: 25741868, with internal and published modifications).

NM_001199397.3(NEK1):c.3848-3C>T

Gene: NEK1 (NIMA related kinase 1; minus strand). Cytogenetic location: 4q33.
Variant type: single nucleotide variant.
Coding change: c.3848-3C>T on transcript NM_001199397.3 (MANE Select); 3 bases into the intron before coding-DNA position 3848, C replaced by T.
Molecular consequence: intron variant.
Genome position (GRCh38, 1-based): chr4:169,394,526, G>A on the plus strand (C>T on the coding strand, the complement: NEK1 is on the minus strand). VCF-style: chr4-169394526-G-A. GRCh37 (hg19) VCF-style: chr4-170315677-G-A.
Other names: c.3365-3C>T (NM_001374421.1); c.3713-3C>T (NM_001374420.1); c.3557-3C>T (NM_001199399.3); c.3716-3C>T (NM_001199398.3); c.3764-3C>T (NM_001374419.1, NM_012224.4); c.3632-3C>T (NM_001199400.3); c.3848-3C>T (NM_001374418.1).
Identifiers: ClinVar variation 3059174 (VCV003059174.2), dbSNP rs776932483, ClinGen allele CA3137071.
Genomic context (GRCh38, chr4:169,394,526, plus strand): 5'-TCAAATGCTTTCATATAGTTGAGGATTAAAAAACATTTTGAGGATTATTCATCATTATCT[G>A]TAGAAAAAAGAAAAAAATTGACTTCATTTCAAATCAAGCTGTATCTACTTTAAAAAAAAC-3'